The following is an entry in ClinVar:

ClinVar aggregate classification (germline): Likely pathogenic (1 of 4 stars; one submission).

Conditions:
DSP-related disorder. Also called: DSP-related condition; DSP-related disorders.

Submission:

PreventionGenetics, part of Exact Sciences
Classification: Likely pathogenic for DSP-related condition. Last evaluated: 2023-06-09. Review status: criteria provided, single submitter. Criteria: ACMG Guidelines, 2015. Collection method: clinical testing. Allele origin: germline.
Comment: The DSP c.44_68del25 variant is predicted to result in a frameshift and premature protein termination (p.Gly15Alafs*8). To our knowledge, this variant has not been reported in the literature or in a large population database, indicating this variant is rare. Premature termination variants in DSP are expected to be pathogenic, and disease-associated variants of this type have been reported immediately up- and downstream of residue 15 (Li et al. 2019. PubMed ID: 31397097; Haer-Wigman et al. 2019. PubMed ID: 30291343). This variant is interpreted as likely pathogenic.

NM_004415.4(DSP):c.44_68del (p.Gly15fs)

Genes: DSP (desmoplakin; plus strand), DSP-AS1 (DSP antisense RNA 1; minus strand). Cytogenetic location: 6p24.3.
Variant type: Deletion.
Coding change: c.44_68del on transcript NM_004415.4 (MANE Select); coding-DNA positions 44 to 68, 25 bases deleted (GCCGCATGATCCGCGCCGAGTCTGG).
Protein change: p.Gly15fs; shifts the reading frame from glycine 15.
Molecular consequence: frameshift variant.
Genome position (GRCh38, 1-based): chr6:7,541,959-7,541,983, GCCGCATGATCCGCGCCGAGTCTGG deleted; deleting any 25 consecutive bases within chr6:7,541,954-7,541,983 gives the same sequence; the c. name uses the placement nearest the transcript's 3' end. VCF-style (leftmost placement, unchanged base first): chr6-7541953-CTCTGGGCCGCATGATCCGCGCCGAG-C. GRCh37 (hg19) VCF-style: chr6-7542186-CTCTGGGCCGCATGATCCGCGCCGAG-C.
Other names: c.44_68del, p.Gly15fs (NM_001008844.3, NM_001319034.2, NM_001406591.1); short protein forms G15fs.
Identifiers: ClinVar variation 2632353 (VCV002632353.1), dbSNP rs2533800527, ClinGen allele CA2695198805.